The following is an entry in ClinVar:

NM_000038.6(APC):c.933+517T>C

Gene: APC (APC regulator of WNT signaling pathway; plus strand). Cytogenetic location: 5q22.2.
Variant type: single nucleotide variant.
Coding change: c.933+517T>C on transcript NM_000038.6 (MANE Select); 517 bases into the intron after coding-DNA position 933, T replaced by C.
Molecular consequence: intron variant.
Genome position (GRCh38, 1-based): chr5:112,816,110, T>C. VCF-style: chr5-112816110-T-C. GRCh37 (hg19) VCF-style: chr5-112151807-T-C.
Other names: c.933+517T>C (NM_001354895.2, NM_001127510.3, NM_001354896.2 and 1 more transcripts); c.963+517T>C (NM_001354897.2, NM_001354902.2); c.879+517T>C (NM_001127511.3); c.858+517T>C (NM_001354898.2, NM_001354904.2); c.84+517T>C (NM_001354906.2); c.849+517T>C (NM_001354899.2); c.756+517T>C (NM_001354900.2, NM_001354901.2, NM_001354905.2).
Identifiers: ClinVar variation 82559 (VCV000082559.2), dbSNP rs75985408, ClinGen allele CA015747.

ClinVar aggregate classification (germline): other (0 of 4 stars; one submission).

Conditions:
Familial colorectal cancer. Identifiers: MedGen CN280943, MONDO:0023113. Disease mechanism: loss of function.

Submission:

Systems Biology Platform Zhejiang California International NanoSystems Institute
Classification: other for Familial colorectal cancer. Review status: no assertion criteria provided. Collection method: not provided. Allele origin: unknown.
ClinVar note: Converted during submission from cancer to other.